The following is an entry in ClinVar:

ClinVar aggregate classification (germline): Benign/Likely benign. Review status: criteria provided, multiple submitters, no conflicts (2 of 4 stars). 3 submissions from 3 submitters: Benign (1); Likely benign (2). Last evaluated 2025-04-18.

Conditions:
Hereditary diffuse gastric adenocarcinoma (HDGC). Also called: DIFFUSE GASTRIC AND LOBULAR BREAST CANCER SYNDROME. Identifiers: Orphanet 26106, MedGen C1708349, MONDO:0007648, OMIM 137215.
Hereditary cancer-predisposing syndrome. Also called: Hereditary neoplastic syndrome; Hereditary Cancer Syndrome; Tumor predisposition; Neoplastic Syndromes, Hereditary. Identifiers: Orphanet 140162, MedGen C0027672, MeSH D009386, MONDO:0015356.

gnomAD v4.1: 2 of 1,614,246 alleles (0.00012%); highest among the groups gnomAD compares: Non-Finnish European, 0.00017%; no homozygotes.

Submissions (3):

Labcorp Genetics (formerly Invitae), Labcorp
Classification: Likely benign. Last evaluated: 2025-04-18. Review status: criteria provided, single submitter. Criteria: Invitae Variant Classification Sherloc (09022015). Collection method: clinical testing. Allele origin: germline.

Myriad Genetics, Inc.
Classification: Benign for Hereditary diffuse gastric adenocarcinoma. Last evaluated: 2024-10-10. Review status: criteria provided, single submitter. Criteria: Myriad Autosomal Dominant, Autosomal Recessive and X-Linked Classification Criteria (2023). Collection method: clinical testing. Allele origin: unknown.
Comment: This variant is considered benign. This variant is a silent/synonymous amino acid change and it is not expected to impact splicing.

Ambry Genetics
Classification: Likely benign for Hereditary cancer-predisposing syndrome. Last evaluated: 2021-10-14. Review status: criteria provided, single submitter. Criteria: Ambry Variant Classification Scheme 2023. Collection method: clinical testing. Allele origin: germline.

NM_001903.5(CTNNA1):c.681A>G (p.Ala227=)

Gene: CTNNA1 (catenin alpha 1; plus strand). Cytogenetic location: 5q31.2.
Variant type: single nucleotide variant.
Coding change: c.681A>G on transcript NM_001903.5 (MANE Select); coding-DNA position 681, A replaced by G.
Protein change: p.Ala227=; no amino-acid change (alanine 227 retained).
Molecular consequence: synonymous variant.
Genome position (GRCh38, 1-based): chr5:138,824,622, A>G. VCF-style: chr5-138824622-A-G. GRCh37 (hg19) VCF-style: chr5-138160311-A-G.
Other names: c.681A>G, p.Ala227= (NM_001290307.3, NM_001323982.2, NM_001323983.1 and 3 more transcripts); c.372A>G, p.Ala124= (NM_001290309.3); c.312A>G, p.Ala104= (NM_001290310.3).
Identifiers: ClinVar variation 1664840 (VCV001664840.11), dbSNP rs758660340, ClinGen allele CA446594555.
Genomic context (GRCh38, chr5:138,824,622, plus strand): 5'-GGCTGCAGCTAGAGGAATCCTGCAGAAGAACGTTCCGATCCTCTATACTGCATCCCAGGC[A>G]TGCCTACAGCACCCTGATGTCGCAGCCTATAAGGCCAACAGGGACCTGATATACAAGCAG-3'
Protein context (NP_001894.2, residues 217-237): NVPILYTASQ[Ala227=]CLQHPDVAAY